The following is an entry in ClinVar:

NM_194248.3(OTOF):c.5967C>T (p.Tyr1989=)

Gene: OTOF (otoferlin; minus strand). Cytogenetic location: 2p23.3.
Variant type: single nucleotide variant.
Coding change: c.5967C>T on transcript NM_194248.3 (MANE Select); coding-DNA position 5967, C replaced by T.
Protein change: p.Tyr1989=; no amino-acid change (tyrosine 1989 retained).
Molecular consequence: synonymous variant. On other transcripts: intron variant (2).
Genome position (GRCh38, 1-based): chr2:26,460,052, G>A on the plus strand (C>T on the coding strand, the complement: OTOF is on the minus strand). VCF-style: chr2-26460052-G-A. GRCh37 (hg19) VCF-style: chr2-26682920-G-A.
Other names: c.3666C>T, p.Tyr1222= (NM_004802.4); c.3897C>T, p.Tyr1299= (NM_194322.3); c.5813+595C>T (NM_001287489.2); c.3512+595C>T (NM_194323.3).
Identifiers: ClinVar variation 2988827 (VCV002988827.4), dbSNP rs1451195279, ClinGen allele CA425206461.

ClinVar aggregate classification (germline): Conflicting classifications of pathogenicity. Review status: criteria provided, conflicting classifications (1 of 4 stars). 2 submissions from 2 submitters: Uncertain significance (1); Likely benign (1). Last evaluated 2024-10-28.

Allele frequency attached by ClinVar (database versions not stated): gnomAD exomes below 0.00001.
gnomAD v4.1: 2 of 1,572,520 alleles (0.00013%); highest among the groups gnomAD compares: East Asian, 0.0046%; no homozygotes.

Submissions (2):

GeneDx
Classification: Uncertain significance. Last evaluated: 2024-10-28. Review status: criteria provided, single submitter. Criteria: GeneDx Variant Classification Process June 2021. Collection method: clinical testing. Allele origin: germline. Affected: yes.
Comment: Not observed at significant frequency in large population cohorts (gnomAD); Has not been previously published as pathogenic or benign to our knowledge; In silico analysis is inconclusive as to whether the variant alters gene splicing. In the absence of RNA/functional studies, the actual effect of this sequence change is unknown.; Reported using an alternate transcript of the gene

Labcorp Genetics (formerly Invitae), Labcorp
Classification: Likely benign. Last evaluated: 2024-02-22. Review status: criteria provided, single submitter. Criteria: Invitae Variant Classification Sherloc (09022015). Collection method: clinical testing. Allele origin: germline.